The following is an entry in ClinVar:

NM_001123385.2(BCOR):c.553A>G (p.Ser185Gly)

Genes: BCOR (BCL6 corepressor; minus strand), LOC126863239 (MED14-independent group 3 enhancer GRCh37_chrX:39932994-39934193; plus strand). Cytogenetic location: Xp11.4.
Variant type: single nucleotide variant.
Coding change: c.553A>G on transcript NM_001123385.2 (MANE Select); coding-DNA position 553, A replaced by G.
Protein change: p.Ser185Gly; replaces serine 185 with glycine.
Molecular consequence: missense variant.
Genome position (GRCh38, 1-based): chrX:40,074,793, T>C on the plus strand (A>G on the coding strand, the complement: BCOR is on the minus strand). VCF-style: chrX-40074793-T-C. GRCh37 (hg19) VCF-style: chrX-39934046-T-C.
Other names: c.553A>G, p.Ser185Gly (NM_001123383.2, NM_001123384.2, NM_001437510.1 and 4 more transcripts); short protein forms S185G.
Identifiers: ClinVar variation 4983675 (VCV004983675.1).

ClinVar aggregate classification (germline): Uncertain significance (1 of 4 stars; one submission).

Conditions:
BCOR-related disorder. Also called: BCOR-related disorders; BCOR-related condition.

gnomAD v4.1: 2 of 1,211,821 alleles (0.00017%); highest among the groups gnomAD compares: South Asian, 0.0018%; no homozygotes.

Submission:

PreventionGenetics, part of Exact Sciences
Classification: Uncertain significance for BCOR-related condition. Last evaluated: 2024-12-19. Review status: criteria provided, single submitter. Criteria: ACMG Guidelines, 2015. Collection method: clinical testing. Allele origin: germline.
Comment: The BCOR c.553A>G variant is predicted to result in the amino acid substitution p.Ser185Gly. This variant was reported in an individual with early-onset X-linked retinal degeneration (Langouët et al. 2022. PubMed ID: 36070393). This variant is reported in 0.0052% of alleles in individuals of South Asian descent in gnomAD. At this time, the clinical significance of this variant is uncertain due to the absence of conclusive functional and genetic evidence.